The following is an entry in ClinVar:

ClinVar aggregate classification (germline): Pathogenic. Review status: criteria provided, multiple submitters, no conflicts (2 of 4 stars). 3 submissions from 3 submitters: Pathogenic (3). Last evaluated 2026-06-16.

Conditions:
Hereditary cancer-predisposing syndrome. Also called: Neoplastic Syndromes, Hereditary; Tumor predisposition; Hereditary Cancer Syndrome; Hereditary neoplastic syndrome. Identifiers: Orphanet 140162, MedGen C0027672, MeSH D009386, MONDO:0015356.
BRCA1-related cancer predisposition. Identifiers: MedGen CN377757, MONDO:0700268.
Inherited breast cancer and ovarian cancer.

Submissions (3):

Ambry Genetics
Classification: Pathogenic for Hereditary cancer-predisposing syndrome. Last evaluated: 2026-06-16. Review status: criteria provided, single submitter. Criteria: Ambry Variant Classification Scheme 2023. Collection method: clinical testing. Allele origin: germline.
Comment: The c.137_141delTTTGCins13 variant, located in coding exon 3 of the BRCA1 gene, results from the deletion of 5 nucleotides and insertion of 13 nucleotides causing a translational frameshift with a predicted alternate stop codon (p.F46*). In silico splice site analysis predicts that this alteration will weaken the native splice acceptor site; however, direct evidence is insufficient at this time (Ambry internal data). This alteration is expected to result in loss of function by premature protein truncation or nonsense-mediated mRNA decay. As such, this alteration is interpreted as a disease-causing mutation.

Genetics Laboratory, Great Ormond Street Hospital NHS Foundation Trust, North Thames Genomic Laboratory Hub
Classification: Pathogenic for Inherited breast cancer and ovarian cancer. Last evaluated: 2025-11-05. Review status: criteria provided, single submitter. Criteria: CanVIG BRCA Gene Specific V1.22. Collection method: clinical testing. Allele origin: germline. Affected: yes.
Comment: PM2_moderate, PVS1_very-strong

All of Us Research Program, National Institutes of Health
Classification: Pathogenic for BRCA1-related cancer predisposition. Last evaluated: 2024-09-25. Review status: criteria provided, single submitter. Criteria: ACMG Guidelines, 2015. Collection method: clinical testing. Allele origin: germline. Inheritance: Autosomal dominant inheritance. Observed: 1 variant allele, 1 heterozygote.
Comment: This variant is predicted to result in loss of protein function through nonsense-mediated or protein truncation. Loss of function is an established mechanism of disease. This prediction has not been confirmed by functional studies. This variant is absent from or rare in large population databases, including the Genome Aggregation Database.

This study involves interpretation of variants in research participants for the purpose of population health screening. Participant phenotype was not available at the time of variant classification. Additional details can be found in publication PMID: 35346344, PMCID: PMC8962531

NM_007294.4(BRCA1):c.137_141delinsAATTTATAGATTT (p.Phe46_Cys47delinsTer)

Gene: BRCA1 (BRCA1 DNA repair associated; minus strand). Cytogenetic location: 17q21.31.
Variant type: Indel.
Coding change: c.137_141delinsAATTTATAGATTT on transcript NM_007294.4 (MANE Select); coding-DNA positions 137 to 141, TTTGC replaced by AATTTATAGATTT.
Protein change: p.Phe46_Cys47delinsTer.
Molecular consequence: nonsense. On other transcripts: 5 prime UTR variant (163), frameshift variant (1), intron variant (34).
Genome position (GRCh38, 1-based): chr17:43,106,527-43,106,531, GCAAA replaced by AAATCTATAAATT on the plus strand (TTTGC replaced by AATTTATAGATTT on the coding strand, the reverse complement: BRCA1 is on the minus strand). VCF-style: chr17-43106527-GCAAA-AAATCTATAAATT. GRCh37 (hg19) VCF-style: chr17-41258544-GCAAA-AAATCTATAAATT.
Other names: c.137_141delinsAATTTATAGATTT, p.Phe46_Cys47delinsTer (NM_001408435.1, NM_001408436.1, NM_001408437.1 and 167 more transcripts); c.-5_-1delinsAATTTATAGATTT (NM_001408452.1, NM_001408453.1, NM_001408454.1 and 99 more transcripts); c.-52_-48delinsAATTTATAGATTT (NM_001408478.1, NM_001408479.1, NM_001408480.1 and 58 more transcripts); c.137_141delTTTGCinsAATTTATAGATTT, p.Phe46Terfs (NM_007304.2); c.-218-11671_-218-11667delinsAATTTATAGATTT (NM_001407967.1, NM_001407966.1); c.-169-1575_-169-1571delinsAATTTATAGATTT (NM_001407959.1, NM_001407962.1, NM_001408512.1 and 4 more transcripts); c.81-1575_81-1571delinsAATTTATAGATTT (NM_001408451.1); c.135-1575_135-1571delinsAATTTATAGATTT (NM_001408475.1, NM_001407875.1, NM_001407659.1 and 21 more transcripts).
Identifiers: ClinVar variation 3226100 (VCV003226100.4), dbSNP rs2552258916, ClinGen allele CA2825002528.